The following is an entry in ClinVar:

ClinVar aggregate classification (germline): Uncertain significance. Review status: criteria provided, multiple submitters, no conflicts (2 of 4 stars). 2 submissions from 2 submitters: Uncertain significance (2). Last evaluated 2024-05-23.

Conditions:
Inborn genetic diseases. Identifiers: MedGen C0950123, MeSH D030342.

Submissions (2):

GeneDx
Classification: Uncertain significance. Last evaluated: 2024-05-23. Review status: criteria provided, single submitter. Criteria: GeneDx Variant Classification Process June 2021. Collection method: clinical testing. Allele origin: germline. Affected: yes.
Comment: Not observed at significant frequency in large population cohorts (gnomAD); In silico analysis supports that this missense variant has a deleterious effect on protein structure/function; Has not been previously published as pathogenic or benign to our knowledge

Ambry Genetics
Classification: Uncertain significance for Inborn genetic diseases. Last evaluated: 2020-10-30. Review status: criteria provided, single submitter. Criteria: Ambry Variant Classification Scheme 2023. Collection method: clinical testing. Allele origin: germline.
Comment: The c.546C>G (p.H182Q) alteration is located in exon 2 (coding exon 2) of the SHH gene. This alteration results from a C to G substitution at nucleotide position 546, causing the histidine (H) at amino acid position 182 to be replaced by a glutamine (Q). Based on data from the Genome Aggregation Database (gnomAD), the SHH c.546C>G alteration was not observed, with coverage at this position. The alteration is predicted deleterious by in silico modeling:_x000D_ _x000D_ The p.H182Q alteration is predicted to be deleterious by in silico analysis. Based on insufficient or conflicting evidence, the clinical significance of this alteration remains unclear.

Literature cited by the submitters: PubMed 11479728 (cited by Ambry Genetics); PubMed 15292211 (cited by Ambry Genetics); PubMed 19603532 (cited by Ambry Genetics).

NM_000193.4(SHH):c.546C>G (p.His182Gln)

Gene: SHH (sonic hedgehog signaling molecule; minus strand). Cytogenetic location: 7q36.3.
Variant type: single nucleotide variant.
Coding change: c.546C>G on transcript NM_000193.4 (MANE Select); coding-DNA position 546, C replaced by G.
Protein change: p.His182Gln; replaces histidine 182 with glutamine.
Molecular consequence: missense variant. On other transcripts: non-coding transcript variant (2).
Genome position (GRCh38, 1-based): chr7:155,806,312, G>C on the plus strand (C>G on the coding strand, the complement: SHH is on the minus strand). VCF-style: chr7-155806312-G-C. GRCh37 (hg19) VCF-style: chr7-155599006-G-C.
Other names: c.285C>G, p.His95Gln (NM_001310462.2); short protein forms H182Q, H95Q.
Identifiers: ClinVar variation 1806650 (VCV001806650.5), dbSNP rs2535900841, ClinGen allele CA370147939.